The following is an entry in ClinVar:

ClinVar aggregate classification (germline): Likely benign (1 of 4 stars; one submission).

Allele frequency attached by ClinVar (database versions not stated): gnomAD exomes below 0.00001.
gnomAD v4.1: 4 of 1,612,148 alleles (0.00025%); highest among the groups gnomAD compares: Non-Finnish European, 0.00034%; no homozygotes.

Submission:

CeGaT Center for Human Genetics Tuebingen
Classification: Likely benign. Last evaluated: 2023-09-01. Review status: criteria provided, single submitter. Criteria: CeGaT Center For Human Genetics Tuebingen Variant Classification Criteria Version 2. Collection method: clinical testing. Allele origin: germline. Affected: yes. Observed: 1 variant allele.
Comment: CDH15: PM2:Supporting, BP4, BP7

NM_004933.3(CDH15):c.1908C>A (p.Gly636=)

Gene: CDH15 (cadherin 15; plus strand). Cytogenetic location: 16q24.3.
Variant type: single nucleotide variant.
Coding change: c.1908C>A on transcript NM_004933.3 (MANE Select); coding-DNA position 1908, C replaced by A.
Protein change: p.Gly636=; no amino-acid change (glycine 636 retained).
Molecular consequence: synonymous variant.
Genome position (GRCh38, 1-based): chr16:89,193,522, C>A. VCF-style: chr16-89193522-C-A. GRCh37 (hg19) VCF-style: chr16-89259930-C-A.
Identifiers: ClinVar variation 2647040 (VCV002647040.24), dbSNP rs773998286, ClinGen allele CA497149897.